The following is an entry in ClinVar:

NM_153460.4(IL17RC):c.2071G>T (p.Ala691Ser)

Genes: IL17RC (interleukin 17 receptor C; plus strand), LOC129936144 (ATAC-STARR-seq lymphoblastoid silent region 14051; plus strand). Cytogenetic location: 3p25.3.
Variant type: single nucleotide variant.
Coding change: c.2071G>T on transcript NM_153460.4 (MANE Select); coding-DNA position 2071, G replaced by T.
Protein change: p.Ala691Ser; replaces alanine 691 with serine.
Molecular consequence: missense variant. On other transcripts: non-coding transcript variant (1).
Genome position (GRCh38, 1-based): chr3:9,933,501, G>T. VCF-style: chr3-9933501-G-T. GRCh37 (hg19) VCF-style: chr3-9975185-G-T.
Other names: c.2032G>T, p.Ala678Ser (NM_001203263.2); c.1981G>T, p.Ala661Ser (NM_001203264.2); c.1975G>T, p.Ala659Ser (NM_001203265.2); c.1993G>T, p.Ala665Ser (NM_001367278.1); c.1912G>T, p.Ala638Ser (NM_001367279.1); c.1987G>T, p.Ala663Ser (NM_001367280.1); c.1936G>T, p.Ala646Ser (NM_001410711.1); c.2026G>T, p.Ala676Ser (NM_032732.6); and 1 more; short protein forms A638S, A678S, A762S, A659S, A665S, A691S, A646S, A661S.
Identifiers: ClinVar variation 2787896 (VCV002787896.3), dbSNP rs1222460318, ClinGen allele CA351709513.
Genomic context (GRCh38, chr3:9,933,501, plus strand): 5'-GCCCCGCGTTCCGGGCGGCTCCAAGAGAGAGCGGAGCAAGTGTCCCGGGCCCTTCAGCCA[G>T]CCCTGGATAGCTACTTCCATCCCCCGGGGACTCCCGCGCCGGGACGCGGGGTGGGACCAG-3'
Protein context (NP_703190.2, residues 681-701): AEQVSRALQP[Ala691Ser]LDSYFHPPGT

ClinVar aggregate classification (germline): Uncertain significance (1 of 4 stars; one submission).

Conditions:
Candidiasis, familial, 9 (CANDF9). Identifiers: Orphanet 1334, MedGen C4225324, MONDO:0014642, OMIM 616445.

Allele frequency attached by ClinVar (database versions not stated): TOPMed below 0.00001.

Submission:

Labcorp Genetics (formerly Invitae), Labcorp
Classification: Uncertain significance for Candidiasis, familial, 9. Last evaluated: 2023-02-27. Review status: criteria provided, single submitter. Criteria: Invitae Variant Classification Sherloc (09022015). Collection method: clinical testing. Allele origin: germline.
Comment: In summary, the available evidence is currently insufficient to determine the role of this variant in disease. Therefore, it has been classified as a Variant of Uncertain Significance. An algorithm developed to predict the effect of missense changes on protein structure and function (PolyPhen-2) suggests that this variant is likely to be tolerated. This variant has not been reported in the literature in individuals affected with IL17RC-related conditions. This variant is not present in population databases (gnomAD no frequency). This sequence change replaces alanine, which is neutral and non-polar, with serine, which is neutral and polar, at codon 762 of the IL17RC protein (p.Ala762Ser).